The following is an entry in ClinVar:

ClinVar aggregate classification (germline): Uncertain significance. Review status: criteria provided, multiple submitters, no conflicts (2 of 4 stars). 2 submissions from 2 submitters: Uncertain significance (2). Last evaluated 2021-09-01.

Conditions:
Inborn genetic diseases. Identifiers: MedGen C0950123, MeSH D030342.
Evans syndrome, immunodeficiency, and premature immunosenescence associated with tripeptidyl-peptidase II deficiency. Identifiers: MedGen CN231723. Disease mechanism: loss of function.

Allele frequency attached by ClinVar (database versions not stated): TOPMed 0.00002; gnomAD exomes 0.00004; ExAC 0.00005.
gnomAD v4.1: 11 of 1,612,886 alleles (0.00068%); highest among the groups gnomAD compares: Admixed American, 0.018%; no homozygotes.

Submissions (2):

Ambry Genetics
Classification: Uncertain significance for Inborn genetic diseases. Last evaluated: 2021-09-01. Review status: criteria provided, single submitter. Criteria: Ambry Variant Classification Scheme 2023. Collection method: clinical testing. Allele origin: germline.

Labcorp Genetics (formerly Invitae), Labcorp
Classification: Uncertain significance for Evans syndrome, immunodeficiency, and premature immunosenescence associated with tripeptidyl-peptidase II deficiency. Last evaluated: 2021-07-28. Review status: criteria provided, single submitter. Criteria: Invitae Variant Classification Sherloc (09022015). Collection method: clinical testing. Allele origin: germline.
Comment: In summary, the available evidence is currently insufficient to determine the role of this variant in disease. Therefore, it has been classified as a Variant of Uncertain Significance. Algorithms developed to predict the effect of sequence changes on RNA splicing suggest that this variant may create or strengthen a splice site. Algorithms developed to predict the effect of missense changes on protein structure and function are either unavailable or do not agree on the potential impact of this missense change (SIFT: "Deleterious"; PolyPhen-2: "Probably Damaging"; Align-GVGD: "Class C0"). This variant has not been reported in the literature in individuals affected with TPP2-related conditions. This variant is present in population databases (rs756499056, ExAC 0.05%). This sequence change replaces histidine with glutamine at codon 142 of the TPP2 protein (p.His142Gln). The histidine residue is highly conserved and there is a small physicochemical difference between histidine and glutamine.

NM_001330588.2(TPP2):c.426C>G (p.His142Gln)

Gene: TPP2 (tripeptidyl peptidase 2; plus strand). Cytogenetic location: 13q33.1.
Variant type: single nucleotide variant.
Coding change: c.426C>G on transcript NM_001330588.2 (MANE Select); coding-DNA position 426, C replaced by G.
Protein change: p.His142Gln; replaces histidine 142 with glutamine.
Molecular consequence: missense variant. On other transcripts: non-coding transcript variant (1).
Genome position (GRCh38, 1-based): chr13:102,616,431, C>G. VCF-style: chr13-102616431-C-G. GRCh37 (hg19) VCF-style: chr13-103268781-C-G.
Other names: c.426C>G, p.His142Gln (NM_001367947.1, NM_003291.4); c.426C>G (NM_003291.2); short protein forms H142Q.
Identifiers: ClinVar variation 1491227 (VCV001491227.7), dbSNP rs756499056, ClinGen allele CA7037515.